The following is an entry in ClinVar:

NM_001142800.2(EYS):c.6671C>T (p.Thr2224Ile)

Gene: EYS (EGF-like photoreceptor maintenance factor; minus strand). Cytogenetic location: 6q12.
Variant type: single nucleotide variant.
Coding change: c.6671C>T on transcript NM_001142800.2 (MANE Select); coding-DNA position 6671, C replaced by T.
Protein change: p.Thr2224Ile; replaces threonine 2224 with isoleucine.
Molecular consequence: missense variant.
Genome position (GRCh38, 1-based): chr6:64,066,392, G>A on the plus strand (C>T on the coding strand, the complement: EYS is on the minus strand). VCF-style: chr6-64066392-G-A. GRCh37 (hg19) VCF-style: chr6-64776285-G-A.
Other names: c.6671C>T, p.Thr2224Ile (NM_001292009.2); short protein forms T2224I.
Identifiers: ClinVar variation 858209 (VCV000858209.8), dbSNP rs1771370733, ClinGen allele CA364389574.
Genomic context (GRCh38, chr6:64,066,392, plus strand): 5'-ACTTACCGTATTGTGATAGGGGTGAATGCATTTGTGTTAATGCTGTAATTAGCAGAAACA[G>A]TCAAAATATTTTGAGAATTTCCACACCCATATTTAACTGATGGCCTTCCTTCCACAAGAA-3'
Protein context (NP_001136272.1, residues 2214-2234): YGCGNSQNIL[Thr2224Ile]VSANYSINTN

ClinVar aggregate classification (germline): Uncertain significance. Review status: criteria provided, multiple submitters, no conflicts (2 of 4 stars). 2 submissions from 2 submitters: Uncertain significance (2). Last evaluated 2021-09-02.

Submissions (2):

Labcorp Genetics (formerly Invitae), Labcorp
Classification: Uncertain significance. Last evaluated: 2021-09-02. Review status: criteria provided, single submitter. Criteria: Invitae Variant Classification Sherloc (09022015). Collection method: clinical testing. Allele origin: germline.
Comment: This sequence change replaces threonine with isoleucine at codon 2224 of the EYS protein (p.Thr2224Ile). The threonine residue is highly conserved and there is a moderate physicochemical difference between threonine and isoleucine. This variant is not present in population databases (ExAC no frequency). This variant has not been reported in the literature in individuals affected with EYS-related conditions. Algorithms developed to predict the effect of missense changes on protein structure and function are either unavailable or do not agree on the potential impact of this missense change (SIFT: "Tolerated"; PolyPhen-2: "Probably Damaging"; Align-GVGD: "Class C15"). In summary, the available evidence is currently insufficient to determine the role of this variant in disease. Therefore, it has been classified as a Variant of Uncertain Significance.

Blueprint Genetics
Classification: Uncertain significance. Last evaluated: 2018-07-27. Review status: criteria provided, single submitter. Criteria: ACMG Guidelines, 2015. Collection method: clinical testing. Allele origin: germline.